The following is an entry in ClinVar:

NM_002048.3(GAS1):c.858C>A (p.Asp286Glu)

Gene: GAS1 (growth arrest specific 1; minus strand). Cytogenetic location: 9q21.33.
Variant type: single nucleotide variant.
Coding change: c.858C>A on transcript NM_002048.3 (MANE Select); coding-DNA position 858, C replaced by A.
Protein change: p.Asp286Glu; replaces aspartic acid 286 with glutamic acid.
Molecular consequence: missense variant.
Genome position (GRCh38, 1-based): chr9:86,945,922, G>T on the plus strand (C>A on the coding strand, the complement: GAS1 is on the minus strand). VCF-style: chr9-86945922-G-T. GRCh37 (hg19) VCF-style: chr9-89560837-G-T.
Other names: short protein forms D286E.
Identifiers: ClinVar variation 4670916 (VCV004670916.2).

ClinVar aggregate classification (germline): Uncertain significance. Review status: criteria provided, multiple submitters, no conflicts (2 of 4 stars). 2 submissions from 2 submitters: Uncertain significance (2). Last evaluated 2025-11-20.

gnomAD v4.1: 56 of 1,573,660 alleles (0.0036%); highest among the groups gnomAD compares: Non-Finnish European, 0.0048%; no homozygotes.

Submissions (2):

Ambry Genetics
Classification: Uncertain significance. Last evaluated: 2025-11-20. Review status: criteria provided, single submitter. Criteria: Ambry Variant Classification Scheme 2023. Collection method: clinical testing. Allele origin: germline.

Labcorp Genetics (formerly Invitae), Labcorp
Classification: Uncertain significance. Last evaluated: 2025-05-19. Review status: criteria provided, single submitter. Criteria: Invitae Variant Classification Sherloc (09022015). Collection method: clinical testing. Allele origin: germline.
Comment: This sequence change replaces aspartic acid, which is acidic and polar, with glutamic acid, which is acidic and polar, at codon 286 of the GAS1 protein (p.Asp286Glu). The frequency data for this variant in the population databases is considered unreliable, as metrics indicate poor data quality at this position in the gnomAD database. This variant has not been reported in the literature in individuals affected with GAS1-related conditions. An algorithm developed to predict the effect of missense changes on protein structure and function (PolyPhen-2) suggests that this variant is likely to be disruptive. In summary, the available evidence is currently insufficient to determine the role of this variant in disease. Therefore, it has been classified as a Variant of Uncertain Significance.